The following is an entry in ClinVar:

NM_001384474.1(LOXHD1):c.4068G>A (p.Arg1356=)

Gene: LOXHD1 (lipoxygenase homology PLAT domains 1; minus strand). Cytogenetic location: 18q21.1.
Variant type: single nucleotide variant.
Coding change: c.4068G>A on transcript NM_001384474.1 (MANE Select); coding-DNA position 4068, G replaced by A.
Protein change: p.Arg1356=; no amino-acid change (arginine 1356 retained).
Molecular consequence: synonymous variant.
Genome position (GRCh38, 1-based): chr18:46,538,183, C>T on the plus strand (G>A on the coding strand, the complement: LOXHD1 is on the minus strand). VCF-style: chr18-46538183-C-T. GRCh37 (hg19) VCF-style: chr18-44118146-C-T.
Other names: c.735G>A, p.Arg245= (NM_001145472.3); c.447G>A, p.Arg149= (NM_001308013.2); c.4068G>A, p.Arg1356= (NM_144612.7).
Identifiers: ClinVar variation 227522 (VCV000227522.26), dbSNP rs539688337, ClinGen allele CA8952397.

ClinVar aggregate classification (germline): Conflicting classifications of pathogenicity. Review status: criteria provided, conflicting classifications (1 of 4 stars). 6 submissions from 6 submitters: Uncertain significance (2); Likely benign (3). 1 of the submissions does not count toward it. Last evaluated 2026-01-22.

Conditions:
Autosomal recessive nonsyndromic hearing loss 77. Identifiers: Orphanet 90636, MedGen C2746083, MONDO:0013119, OMIM 613079.

Allele frequency attached by ClinVar (database versions not stated): gnomAD 0.00005 and 0.00009; gnomAD exomes 0.00006 and 0.00022; TOPMed 0.00011; 1000 Genomes Project 30x 0.00031; 1000 Genomes Project 0.00040; ExAC 0.00040.
gnomAD v4.1: 106 of 1,533,040 alleles (0.0069%); highest among the groups gnomAD compares: East Asian, 0.094%; no homozygotes.

Submissions (6):

Labcorp Genetics (formerly Invitae), Labcorp
Classification: Likely benign. Last evaluated: 2026-01-22. Review status: criteria provided, single submitter. Criteria: Invitae Variant Classification Sherloc (09022015). Collection method: clinical testing. Allele origin: germline.

Blueprint Genetics
Classification: Likely benign. Last evaluated: 2024-11-07. Review status: criteria provided, single submitter. Criteria: ACMG Guidelines, 2015. Collection method: clinical testing. Allele origin: germline.

Illumina Laboratory Services, Illumina
Classification: Uncertain significance for Autosomal recessive nonsyndromic hearing loss 77. Last evaluated: 2018-01-13. Review status: criteria provided, single submitter. Criteria: ICSL Variant Classification Criteria 13 December 2019. Collection method: clinical testing. Allele origin: germline.

Eurofins Ntd Llc (ga)
Classification: Uncertain significance. Last evaluated: 2017-08-17. Review status: criteria provided, single submitter. Criteria: EGL Classification Definitions 2015. Collection method: clinical testing. Allele origin: germline. Observed: 1 variant allele, 1 heterozygote.

Laboratory for Molecular Medicine, Mass General Brigham Personalized Medicine
Classification: Likely benign. Last evaluated: 2015-02-24. Review status: criteria provided, single submitter. Criteria: LMM Criteria. Collection method: clinical testing. Allele origin: germline. Observed: 1 variant allele.
Comment: p.Arg1356Arg in exon 26 of LOXHD1: This variant is not expected to have clinical significance because it does not alter an amino acid residue and is not located within the splice consensus sequence. It has been identified in 0.1% (8/8278) o f Asian chromosomes by the Exome Aggregation Consortium (ExAC).

Natera, Inc.
Classification: Likely benign for Autosomal recessive deafness type 77. Last evaluated: 2020-05-04. Review status: no assertion criteria provided. Collection method: clinical testing. Allele origin: germline. Not counted in ClinVar's aggregate classification.